The following is an entry in ClinVar:

NM_004006.3(DMD):c.1211G>C (p.Ser404Thr)

Gene: DMD (dystrophin; minus strand). Cytogenetic location: Xp21.1.
Variant type: single nucleotide variant.
Coding change: c.1211G>C on transcript NM_004006.3 (MANE Select); coding-DNA position 1211, G replaced by C.
Protein change: p.Ser404Thr; replaces serine 404 with threonine.
Molecular consequence: missense variant.
Genome position (GRCh38, 1-based): chrX:32,644,252, C>G on the plus strand (G>C on the coding strand, the complement: DMD is on the minus strand). VCF-style: chrX-32644252-C-G. GRCh37 (hg19) VCF-style: chrX-32662369-C-G.
Other names: c.1187G>C, p.Ser396Thr (NM_000109.4); c.1199G>C, p.Ser400Thr (NM_004009.3); c.842G>C, p.Ser281Thr (NM_004010.3); short protein forms S281T, S396T, S400T, S404T.
Identifiers: ClinVar variation 2660250 (VCV002660250.24), dbSNP rs398123851, ClinGen allele CA10379942.

ClinVar aggregate classification (germline): Uncertain significance (1 of 4 stars; one submission).

Allele frequency attached by ClinVar (database versions not stated): ExAC 0.00001.

Submission:

CeGaT Center for Human Genetics Tuebingen
Classification: Uncertain significance. Last evaluated: 2023-03-01. Review status: criteria provided, single submitter. Criteria: CeGaT Center For Human Genetics Tuebingen Variant Classification Criteria Version 2. Collection method: clinical testing. Allele origin: germline. Affected: yes. Observed: 1 variant allele.
Comment: DMD: PM2, BP4